The following is an entry in ClinVar:

ClinVar aggregate classification (germline): Pathogenic (1 of 4 stars; one submission).

Conditions:
Interstitial lung disease due to ABCA3 deficiency. Also called: PULMONARY ALVEOLAR PROTEINOSIS, CONGENITAL, 3. Identifiers: Orphanet 440402, MedGen C1970456, MONDO:0012582, OMIM 610921.

Submission:

Myriad Genetics, Inc.
Classification: Pathogenic for Interstitial lung disease due to ABCA3 deficiency. Last evaluated: 2025-07-23. Review status: criteria provided, single submitter. Criteria: Myriad Autosomal Dominant, Autosomal Recessive and X-Linked Classification Criteria (2023). Collection method: clinical testing. Allele origin: unknown.
Comment: NM_001089.2(ABCA3):c.3133delC(Q1045Rfs*89) is expected to be pathogenic in the context of surfactant deficiency, ABCA3-related. This variant is predicted to lead to an abnormal or absent protein product due to the creation of a premature termination codon in ABCA3, a gene where loss-of-function variants are known to be pathogenic. Please note: this variant was assessed in the context of healthy population screening.

NM_001089.3(ABCA3):c.3133del (p.Gln1045fs)

Gene: ABCA3 (ATP binding cassette subfamily A member 3; minus strand). Cytogenetic location: 16p13.3.
Variant type: Deletion.
Coding change: c.3133del on transcript NM_001089.3 (MANE Select); coding-DNA position 3133, one base deleted (C; older notation c.3133delC).
Protein change: p.Gln1045fs; shifts the reading frame from glutamine 1045.
Molecular consequence: frameshift variant.
Genome position (GRCh38, 1-based): chr16:2,286,839, G deleted on the plus strand (C on the coding strand, the reverse complement: ABCA3 is on the minus strand); the first of 2 consecutive G bases (chr16:2,286,839-2,286,840); deleting either gives the same sequence. VCF-style (leftmost placement, unchanged base first): chr16-2286838-TG-T. GRCh37 (hg19) VCF-style: chr16-2336839-TG-T.
Other names: short protein forms Q1045fs.
Identifiers: ClinVar variation 5014768 (VCV005014768.1).